The following is an entry in ClinVar:

NC_000023.10:g.(?_591525)_591250dup

Gene: SHOX (SHOX homeobox; plus strand).
Variant type: Duplication.
Identifiers: ClinVar variation 3336185 (VCV003336185.1).

ClinVar aggregate classification (germline): Uncertain significance (1 of 4 stars; one submission).

Submission:

Women's Health and Genetics/Laboratory Corporation of America, LabCorp
Classification: Uncertain significance. Last evaluated: 2024-05-03. Review status: criteria provided, single submitter. Criteria: LabCorp Variant Classification Summary - May 2015. Collection method: clinical testing. Allele origin: germline.
Comment: Variant summary: The variant involves the partial duplication of the noncoding part of exon 1 in the SHOX gene (NM_000451.4). A presumed nomenclature of c.(?_-108)_-383dup has been designated for the purposes of this classification. In a different transcript (NM_000451.3) this variant involves the partial duplication of exon 1 through the noncoding part of exon 2. The exact breakpoint at the 5' end of this variant is unknown, therefore this duplication may extend upstream of the annotated region of this gene. It is predicted to duplicate a non-coding segment upstream of the coding sequence, therefore its impact on the encoded protein is unknown. The variant was absent in 125162 control chromosomes in the gnomAD database (Structural Variants v4.0 dataset). The available data on variant occurrences in the general population are insufficient to allow any conclusion about variant significance. To our knowledge, no occurrence of c.(?_-108)_-383dup in individuals affected with Leri-Weill Dyschondrosteosis and no experimental evidence demonstrating its impact on protein function have been reported. No submitters have cited clinical-significance assessments for this variant to ClinVar. Based on the evidence outlined above, the variant was classified as uncertain significance.